The following is an entry in ClinVar:

NM_000059.4(BRCA2):c.7457A>G (p.Asn2486Ser)

Gene: BRCA2 (BRCA2 DNA repair associated; plus strand). Cytogenetic location: 13q13.1.
Variant type: single nucleotide variant.
Coding change: c.7457A>G on transcript NM_000059.4 (MANE Select); coding-DNA position 7457, A replaced by G.
Protein change: p.Asn2486Ser; replaces asparagine 2486 with serine.
Molecular consequence: missense variant.
Genome position (GRCh38, 1-based): chr13:32,356,449, A>G. VCF-style: chr13-32356449-A-G. GRCh37 (hg19) VCF-style: chr13-32930586-A-G.
Other names: short protein forms N2486S.
Identifiers: ClinVar variation 187467 (VCV000187467.28), dbSNP rs786203755, ClinGen allele CA025096.
Genomic context (GRCh38, chr13:32,356,449, plus strand): 5'-TTTCAATTTTATTTTTGCTAAGTATTTATTCTTTGATAGATTTAATTACAAGTCTTCAGA[A>G]TGCCAGAGATATACAGGATATGCGAATTAAGAAGAAACAAAGGCAACGCGTCTTTCCACA-3'
Protein context (NP_000050.3, residues 2476-2496): EPLDLITSLQ[Asn2486Ser]ARDIQDMRIK

ClinVar aggregate classification (germline): Conflicting classifications of pathogenicity. Review status: criteria provided, conflicting classifications (1 of 4 stars). 8 submissions from 8 submitters: Uncertain significance (6); Likely benign (2). Last evaluated 2025-12-11.

Conditions:
Hereditary breast ovarian cancer syndrome. Also called: Hereditary breast and ovarian cancer; Hereditary breast and ovarian cancer syndrome; Breast and ovarian cancer; Hereditary breast and ovarian cancer syndrome (HBOC); Hereditary breast and/or ovarian cancer syndrome; BRCA1- and BRCA2-Associated Hereditary Breast and Ovarian Cancer. Identifiers: Orphanet 145, MedGen C0677776, MeSH D061325, MONDO:0003582. Disease mechanism: loss of function.
Hereditary cancer-predisposing syndrome. Also called: Hereditary Cancer Syndrome; Neoplastic Syndromes, Hereditary; Tumor predisposition; Hereditary neoplastic syndrome. Identifiers: Orphanet 140162, MedGen C0027672, MeSH D009386, MONDO:0015356.
Breast-ovarian cancer, familial, susceptibility to, 2 (BROVCA2). Also called: BRCA2 Hereditary Breast and Ovarian Cancer. Identifiers: Orphanet 145, MedGen C2675520, MONDO:0012933, OMIM 612555. Disease mechanism: loss of function.
Familial cancer of breast. Also called: BREAST CANCER, FAMILIAL; Hereditary breast cancer; hereditary breast carcinoma. Identifiers: Orphanet 227535, MedGen C0346153, MONDO:0016419, OMIM 114480. Disease mechanism: loss of function.

Allele frequency attached by ClinVar (database versions not stated): gnomAD exomes below 0.00001; TOPMed below 0.00001.
gnomAD v4.1: 1 of 1,613,926 alleles (0.000062%); highest among the groups gnomAD compares: African/African-American, 0.0013%; no homozygotes.

Submissions (8):

Ambry Genetics
Classification: Uncertain significance for Hereditary cancer-predisposing syndrome. Last evaluated: 2025-12-11. Review status: criteria provided, single submitter. Criteria: Ambry Variant Classification Scheme 2023. Collection method: clinical testing. Allele origin: germline.
Comment: The p.N2486S variant (also known as c.7457A>G), located in coding exon 14 of the BRCA2 gene, results from an A to G substitution at nucleotide position 7457. The asparagine at codon 2486 is replaced by serine, an amino acid with highly similar properties. One saturation genome editing-based study using a haploid cell-survival assay demonstrates that this nucleotide substitution is functional (Huang H et al. Nature. 2025 Feb;638(8050):528-537), however, a humanized mouse embryonic stem cell line assay of drug response and survival was indeterminate for this nucleotide substitution (Sahu S et al. Nature. 2025 Feb;638(8050):538-545). This amino acid position is not well conserved in available vertebrate species. In addition, this alteration is predicted to be tolerated by in silico analysis. Based on the available evidence, the clinical significance of this variant remains unclear.

Labcorp Genetics (formerly Invitae), Labcorp
Classification: Uncertain significance for Hereditary breast ovarian cancer syndrome. Last evaluated: 2025-07-03. Review status: criteria provided, single submitter. Criteria: Invitae Variant Classification Sherloc (09022015). Collection method: clinical testing. Allele origin: germline.
Comment: This sequence change replaces asparagine, which is neutral and polar, with serine, which is neutral and polar, at codon 2486 of the BRCA2 protein (p.Asn2486Ser). This variant is not present in population databases (gnomAD no frequency). This variant has not been reported in the literature in individuals affected with BRCA2-related conditions. ClinVar contains an entry for this variant (Variation ID: 187467). Invitae Evidence Modeling of protein sequence and biophysical properties (such as structural, functional, and spatial information, amino acid conservation, physicochemical variation, residue mobility, and thermodynamic stability) indicates that this missense variant is not expected to disrupt BRCA2 protein function with a negative predictive value of 95%. In summary, the available evidence is currently insufficient to determine the role of this variant in disease. Therefore, it has been classified as a Variant of Uncertain Significance.

Baylor Genetics
Classification: Uncertain significance for Familial cancer of breast. Last evaluated: 2024-03-08. Review status: criteria provided, single submitter. Criteria: ACMG Guidelines, 2015. Collection method: clinical testing. Allele origin: unknown.

Myriad Genetics, Inc.
Classification: Likely benign for Breast-ovarian cancer, familial, susceptibility to, 2. Last evaluated: 2023-11-20. Review status: criteria provided, single submitter. Criteria: Myriad Autosomal Dominant, Autosomal Recessive and X-Linked Classification Criteria (2023). Collection method: clinical testing. Allele origin: unknown.
Comment: This variant is considered likely benign. This variant is strongly associated with less severe personal and family histories of cancer, typical for individuals without pathogenic variants in this gene [PMID: 25085752].

All of Us Research Program, National Institutes of Health
Classification: Uncertain significance for Breast-ovarian cancer, familial, susceptibility to, 2. Last evaluated: 2023-08-08. Review status: criteria provided, single submitter. Criteria: ACMG Guidelines, 2015. Collection method: clinical testing. Allele origin: germline. Inheritance: Autosomal dominant inheritance. Observed: 1 variant allele, 1 heterozygote.
Comment: This study involves interpretation of variants in research participants for the purpose of population health screening. Participant phenotype was not available at the time of variant classification. Additional details can be found in publication PMID: 35346344, PMCID: PMC8962531

GeneDx
Classification: Likely benign. Last evaluated: 2020-11-24. Review status: criteria provided, single submitter. Criteria: GeneDx Variant Classification Process June 2021. Collection method: clinical testing. Allele origin: germline. Affected: yes.
Comment: Not observed in large population cohorts (Lek et al., 2016); In silico analysis supports that this missense variant does not alter protein structure/function; This variant is associated with the following publications: (PMID: 31131967)

Color Diagnostics, LLC DBA Color Health
Classification: Uncertain significance for Hereditary cancer-predisposing syndrome. Last evaluated: 2019-05-03. Review status: criteria provided, single submitter. Criteria: ACMG Guidelines, 2015. Collection method: clinical testing. Allele origin: germline.

Quest Diagnostics Nichols Institute San Juan Capistrano
Classification: Uncertain significance. Last evaluated: 2018-12-03. Review status: criteria provided, single submitter. Criteria: Quest Diagnostics criteria. Collection method: clinical testing. Allele origin: germline.

Literature cited by the submitters: PubMed 39779848 (cited by Ambry Genetics); PubMed 39779857 (cited by Ambry Genetics); PubMed 25085752 (cited by Myriad Genetics, Inc.).